The following is an entry in ClinVar:

NM_000062.3(SERPING1):c.100C>G (p.Pro34Ala)

Gene: SERPING1 (serpin family G member 1; plus strand). Cytogenetic location: 11q12.1.
Variant type: single nucleotide variant.
Coding change: c.100C>G on transcript NM_000062.3 (MANE Select); coding-DNA position 100, C replaced by G.
Protein change: p.Pro34Ala; replaces proline 34 with alanine.
Molecular consequence: missense variant.
Genome position (GRCh38, 1-based): chr11:57,599,927, C>G. VCF-style: chr11-57599927-C-G. GRCh37 (hg19) VCF-style: chr11-57367400-C-G.
Other names: c.100C>G, p.Pro34Ala (NM_001032295.2); short protein forms P34A.
Identifiers: ClinVar variation 1981982 (VCV001981982.4), dbSNP rs781444611, ClinGen allele CA6007971.

ClinVar aggregate classification (germline): Uncertain significance (1 of 4 stars; one submission).

Allele frequency attached by ClinVar (database versions not stated): gnomAD exomes below 0.00001; TOPMed below 0.00001; ExAC 0.00001.
gnomAD v4.1: 1 of 1,614,170 alleles (0.000062%); highest among the groups gnomAD compares: Admixed American, 0.0017%; no homozygotes.

Submission:

Labcorp Genetics (formerly Invitae), Labcorp
Classification: Uncertain significance. Last evaluated: 2022-03-15. Review status: criteria provided, single submitter. Criteria: Invitae Variant Classification Sherloc (09022015). Collection method: clinical testing. Allele origin: germline.
Comment: In summary, the available evidence is currently insufficient to determine the role of this variant in disease. Therefore, it has been classified as a Variant of Uncertain Significance. Advanced modeling of protein sequence and biophysical properties (such as structural, functional, and spatial information, amino acid conservation, physicochemical variation, residue mobility, and thermodynamic stability) performed at Invitae indicates that this missense variant is not expected to disrupt SERPING1 protein function. This variant has not been reported in the literature in individuals affected with SERPING1-related conditions. This variant is present in population databases (rs781444611, gnomAD 0.003%). This sequence change replaces proline, which is neutral and non-polar, with alanine, which is neutral and non-polar, at codon 34 of the SERPING1 protein (p.Pro34Ala).